The following is an entry in ClinVar:

ClinVar aggregate classification (germline): Likely benign. Review status: criteria provided, multiple submitters, no conflicts (2 of 4 stars). 2 submissions from 2 submitters: Likely benign (2). Last evaluated 2024-02-01.

Conditions:
Charcot-Marie-Tooth disease axonal type 2O. Also called: CHARCOT-MARIE-TOOTH NEUROPATHY, AXONAL, TYPE 2O; CHARCOT-MARIE-TOOTH DISEASE, AXONAL, AUTOSOMAL DOMINANT, TYPE 2O; Charcot-Marie-Tooth Neuropathy Type 2O; Charcot-Marie-Tooth disease, axonal, type 20. Identifiers: Orphanet 284232, MedGen C3280220, MONDO:0013644, OMIM 614228.

Allele frequency attached by ClinVar (database versions not stated): TOPMed below 0.00001; gnomAD exomes 0.00001.
gnomAD v4.1: 3 of 1,614,198 alleles (0.00019%); highest among the groups gnomAD compares: Non-Finnish European, 0.00025%; no homozygotes.

Submissions (2):

CeGaT Center for Human Genetics Tuebingen
Classification: Likely benign. Last evaluated: 2024-02-01. Review status: criteria provided, single submitter. Criteria: CeGaT Center For Human Genetics Tuebingen Variant Classification Criteria Version 2. Collection method: clinical testing. Allele origin: germline. Affected: yes. Observed: 1 variant allele.
Comment: DYNC1H1: PM2:Supporting, BP4, BP7

Labcorp Genetics (formerly Invitae), Labcorp
Classification: Likely benign for Charcot-Marie-Tooth disease axonal type 2O. Last evaluated: 2023-12-05. Review status: criteria provided, single submitter. Criteria: Invitae Variant Classification Sherloc (09022015). Collection method: clinical testing. Allele origin: germline.

NM_001376.5(DYNC1H1):c.5811T>C (p.Asp1937=)

Gene: DYNC1H1 (dynein cytoplasmic 1 heavy chain 1; plus strand). Cytogenetic location: 14q32.31.
Variant type: single nucleotide variant.
Coding change: c.5811T>C on transcript NM_001376.5 (MANE Select); coding-DNA position 5811, T replaced by C.
Protein change: p.Asp1937=; no amino-acid change (aspartic acid 1937 retained).
Molecular consequence: synonymous variant.
Genome position (GRCh38, 1-based): chr14:102,007,102, T>C. VCF-style: chr14-102007102-T-C. GRCh37 (hg19) VCF-style: chr14-102473439-T-C.
Identifiers: ClinVar variation 2740520 (VCV002740520.25), dbSNP rs1258960197, ClinGen allele CA487969773.
Genomic context (GRCh38, chr14:102,007,102, plus strand): 5'-AGCTCTTGGCCATCAGCTTGGACGGTTTGTTTTAGTTTTCAACTGTGATGAAACCTTTGA[T>C]TTCCAGGTGAGACACTTTATGGGATCCACCTAAAATGTAATGCCCTGCAGGGATCATTTG-3'
Protein context (NP_001367.2, residues 1927-1947): VLVFNCDETF[Asp1937=]FQAMGRIFVG